The following is an entry in ClinVar:

NM_017654.4(SAMD9):c.373C>T (p.Pro125Ser)

Gene: SAMD9 (sterile alpha motif domain containing 9; minus strand). Cytogenetic location: 7q21.2.
Variant type: single nucleotide variant.
Coding change: c.373C>T on transcript NM_017654.4 (MANE Select); coding-DNA position 373, C replaced by T.
Protein change: p.Pro125Ser; replaces proline 125 with serine.
Molecular consequence: missense variant.
Genome position (GRCh38, 1-based): chr7:93,105,725, G>A on the plus strand (C>T on the coding strand, the complement: SAMD9 is on the minus strand). VCF-style: chr7-93105725-G-A. GRCh37 (hg19) VCF-style: chr7-92735038-G-A.
Other names: c.373C>T (NM_017654.3); c.373C>T, p.Pro125Ser (NM_001193307.2); short protein forms P125S.
Identifiers: ClinVar variation 2419050 (VCV002419050.8), dbSNP rs770675430, ClinGen allele CA4343155.
Genomic context (GRCh38, chr7:93,105,725, plus strand): 5'-CTTCTATGAGCTCAACTTTTAGTGACTTAGAACCTTTAGCAGTTGTACTCATTGCAGACG[G>A]ATTAGCCATATCTGGGTTCTCTTTACCCTTTTGTTTTTGCTTTGAAGTTTCTCTACGTTC-3'
Protein context (NP_060124.2, residues 115-135): KGKENPDMAN[Pro125Ser]SAMSTTAKGS

ClinVar aggregate classification (germline): Uncertain significance. Review status: criteria provided, multiple submitters, no conflicts (2 of 4 stars). 3 submissions from 3 submitters: Uncertain significance (3). Last evaluated 2025-11-29.

Conditions:
SAMD9-related disorder. Also called: SAMD9-related condition.

Allele frequency attached by ClinVar (database versions not stated): ExAC 0.00001; gnomAD exomes 0.00001; gnomAD 0.00003; TOPMed 0.00006.

Submissions (3):

PreventionGenetics, part of Exact Sciences
Classification: Uncertain significance for SAMD9-related condition. Last evaluated: 2025-11-29. Review status: criteria provided, single submitter. Criteria: ACMG Guidelines, 2015. Collection method: clinical testing. Allele origin: germline.
Comment: The SAMD9 c.373C>T variant is predicted to result in the amino acid substitution p.Pro125Ser. To our knowledge, this variant has not been reported in the literature. This variant is reported in 0.0050% of alleles in individuals of East Asian descent in gnomAD and is interpreted as variant of uncertain significance in ClinVar (Variation ID: 2419050). At this time, the clinical significance of this variant is uncertain due to the absence of conclusive functional and genetic evidence.

Labcorp Genetics (formerly Invitae), Labcorp
Classification: Uncertain significance. Last evaluated: 2025-06-19. Review status: criteria provided, single submitter. Criteria: Invitae Variant Classification Sherloc (09022015). Collection method: clinical testing. Allele origin: germline.
Comment: This sequence change replaces proline, which is neutral and non-polar, with serine, which is neutral and polar, at codon 125 of the SAMD9 protein (p.Pro125Ser). This variant is present in population databases (rs770675430, gnomAD 0.005%). This variant has not been reported in the literature in individuals affected with SAMD9-related conditions. ClinVar contains an entry for this variant (Variation ID: 2419050). Invitae Evidence Modeling of protein sequence and biophysical properties (such as structural, functional, and spatial information, amino acid conservation, physicochemical variation, residue mobility, and thermodynamic stability) indicates that this missense variant is not expected to disrupt SAMD9 protein function with a negative predictive value of 95%. In summary, the available evidence is currently insufficient to determine the role of this variant in disease. Therefore, it has been classified as a Variant of Uncertain Significance.

Blueprint Genetics
Classification: Uncertain significance. Last evaluated: 2019-09-19. Review status: criteria provided, single submitter. Criteria: ACMG Guidelines, 2015. Collection method: clinical testing. Allele origin: germline.